The following is an entry in ClinVar:

NM_002332.3(LRP1):c.8316G>A (p.Lys2772=)

Gene: LRP1 (LDL receptor related protein 1; plus strand). Cytogenetic location: 12q13.3.
Variant type: single nucleotide variant.
Coding change: c.8316G>A on transcript NM_002332.3 (MANE Select); coding-DNA position 8316, G replaced by A.
Protein change: p.Lys2772=; no amino-acid change (lysine 2772 retained).
Molecular consequence: synonymous variant.
Genome position (GRCh38, 1-based): chr12:57,195,278, G>A. VCF-style: chr12-57195278-G-A. GRCh37 (hg19) VCF-style: chr12-57589061-G-A.
Identifiers: ClinVar variation 2643119 (VCV002643119.24), dbSNP rs2036506377, ClinGen allele CA480388076.

ClinVar aggregate classification (germline): Likely benign (1 of 4 stars; one submission).

Allele frequency attached by ClinVar (database versions not stated): gnomAD 0.00001; gnomAD exomes 0.00001.
gnomAD v4.1: 8 of 1,613,770 alleles (0.0005%); highest among the groups gnomAD compares: Non-Finnish European, 0.00068%; no homozygotes.

Submission:

CeGaT Center for Human Genetics Tuebingen
Classification: Likely benign. Last evaluated: 2022-12-01. Review status: criteria provided, single submitter. Criteria: CeGaT Center For Human Genetics Tuebingen Variant Classification Criteria Version 2. Collection method: clinical testing. Allele origin: germline. Affected: yes. Observed: 1 variant allele.
Comment: LRP1: BP4, BP7